The following is an entry in ClinVar:

NM_000059.4(BRCA2):c.7063G>T (p.Glu2355Ter)

Gene: BRCA2 (BRCA2 DNA repair associated; plus strand). Cytogenetic location: 13q13.1.
Variant type: single nucleotide variant.
Coding change: c.7063G>T on transcript NM_000059.4 (MANE Select); coding-DNA position 7063, G replaced by T.
Protein change: p.Glu2355Ter; replaces glutamic acid 2355 with a stop codon.
Molecular consequence: nonsense.
Genome position (GRCh38, 1-based): chr13:32,354,916, G>T. VCF-style: chr13-32354916-G-T. GRCh37 (hg19) VCF-style: chr13-32929053-G-T.
Other names: short protein forms E2355*.
Identifiers: ClinVar variation 254595 (VCV000254595.20), dbSNP rs200078639, ClinGen allele CA6941056.

ClinVar aggregate classification (germline): Pathogenic. Review status: reviewed by expert panel (3 of 4 stars). 6 submissions from 6 submitters: Pathogenic (1). 5 of the submissions do not count toward it. Last evaluated 2016-09-08.

Conditions:
Hereditary cancer-predisposing syndrome. Also called: Tumor predisposition; Hereditary Cancer Syndrome; Neoplastic Syndromes, Hereditary; Hereditary neoplastic syndrome. Identifiers: Orphanet 140162, MedGen C0027672, MeSH D009386, MONDO:0015356.
Hereditary breast ovarian cancer syndrome. Also called: Hereditary breast and ovarian cancer; Breast and ovarian cancer; Hereditary breast and/or ovarian cancer syndrome; BRCA1- and BRCA2-Associated Hereditary Breast and Ovarian Cancer; Hereditary breast and ovarian cancer syndrome; Hereditary breast and ovarian cancer syndrome (HBOC). Identifiers: Orphanet 145, MedGen C0677776, MeSH D061325, MONDO:0003582. Disease mechanism: loss of function.
Breast-ovarian cancer, familial, susceptibility to, 2 (BROVCA2). Also called: BRCA2 Hereditary Breast and Ovarian Cancer. Identifiers: Orphanet 145, MedGen C2675520, MONDO:0012933, OMIM 612555. Disease mechanism: loss of function.
Familial cancer of breast. Also called: BREAST CANCER, FAMILIAL; Hereditary breast cancer; hereditary breast carcinoma. Identifiers: Orphanet 227535, MedGen C0346153, MONDO:0016419, OMIM 114480. Disease mechanism: loss of function.

Allele frequency attached by ClinVar (database versions not stated): gnomAD exomes below 0.00001; ExAC 0.00001; gnomAD 0.00001; 1000 Genomes Project 30x 0.00016; 1000 Genomes Project 0.00020.

Submissions (6):

Evidence-based Network for the Interpretation of Germline Mutant Alleles (ENIGMA)
Classification: Pathogenic for Breast-ovarian cancer, familial, susceptibility to, 2. Last evaluated: 2016-09-08. Review status: reviewed by expert panel. Criteria: ENIGMA BRCA1/2 Classification Criteria (2015). Collection method: curation. Allele origin: germline.
Comment: Variant allele predicted to encode a truncated non-functional protein.

Ambry Genetics
Classification: Pathogenic for Hereditary cancer-predisposing syndrome. Last evaluated: 2025-02-20. Review status: criteria provided, single submitter. Criteria: Ambry Variant Classification Scheme 2023. Collection method: clinical testing. Allele origin: germline. Not counted in ClinVar's aggregate classification.
Comment: The p.E2355* pathogenic mutation (also known as c.7063G>T), located in coding exon 13 of the BRCA2 gene, results from a G to T substitution at nucleotide position 7063. This changes the amino acid from a glutamic acid to a stop codon within coding exon 13. This alteration has been previously reported in a breast/ovarian cohort as well as an ancestrally diverse cohort unselected for cancer history (Olfson E et al. PLoS ONE, 2015 Sep;10:e0135193; Rebbeck TR et al. Hum. Mutat., 2018 May;39:593-620). This alteration has also been identified in a large, worldwide study of BRCA1/2 mutation positive families (Rebbeck TR et al. Hum Mutat, 2018 05;39:593-620). Another study detected this mutation in 0/3030 pancreatic cancer cases and 2/123136 population controls (Hu C et al. JAMA, 2018 06;319:2401-2409). In addition to the clinical data presented in the literature, this alteration is expected to result in loss of function by premature protein truncation or nonsense-mediated mRNA decay. As such, this alteration is interpreted as a disease-causing mutation.

Baylor Genetics
Classification: Pathogenic for Familial cancer of breast. Last evaluated: 2022-11-25. Review status: criteria provided, single submitter. Criteria: ACMG Guidelines, 2015. Collection method: clinical testing. Allele origin: unknown. Not counted in ClinVar's aggregate classification.

Labcorp Genetics (formerly Invitae), Labcorp
Classification: Pathogenic for Hereditary breast ovarian cancer syndrome. Last evaluated: 2020-11-20. Review status: criteria provided, single submitter. Criteria: Invitae Variant Classification Sherloc (09022015). Collection method: clinical testing. Allele origin: germline. Not counted in ClinVar's aggregate classification.
Comment: This sequence change creates a premature translational stop signal (p.Glu2355*) in the BRCA2 gene. It is expected to result in an absent or disrupted protein product. This variant is present in population databases (rs200078639, ExAC 0.009%). For these reasons, this variant has been classified as Pathogenic. Loss-of-function variants in BRCA2 are known to be pathogenic (PMID: 20104584). This variant has been observed in individual(s) with breast and/or ovarian cancer (PMID: 29446198). ClinVar contains an entry for this variant (Variation ID: 254595).

GeneDx
Classification: Pathogenic. Last evaluated: 2016-04-11. Review status: criteria provided, single submitter. Criteria: GeneDx Variant Classification (06012015). Collection method: clinical testing. Allele origin: germline. Affected: yes. Not counted in ClinVar's aggregate classification.
Comment: This variant is denoted BRCA2 c.7063G>T at the cDNA level and p.Glu2355Ter (E2355X) at the protein level. The substitution creates a nonsense variant, which changes a Glutamic Acid to a premature stop codon (GAA>TAA), and is predicted to cause loss of normal protein function through either protein truncation or nonsense-mediated mRNA decay. This variant, also defined as 7291G>T using alternate nomenclature, has been reported in association with breast and ovarian cancer (Ruark 2013) and is considered pathogenic.

Consortium of Investigators of Modifiers of BRCA1/2 (CIMBA), c/o University of Cambridge
Classification: Pathogenic for Breast-ovarian cancer, familial, susceptibility to, 2. Last evaluated: 2015-10-02. Review status: criteria provided, single submitter. Criteria: CIMBA Mutation Classification guidelines May 2016. Collection method: clinical testing. Allele origin: germline. Not counted in ClinVar's aggregate classification.

Literature cited by the submitters: PubMed 26332594 (cited by Ambry Genetics); PubMed 29446198 (cited by Ambry Genetics and Labcorp Genetics (formerly Invitae), Labcorp); PubMed 29922827 (cited by Ambry Genetics); PubMed 20104584 (cited by Labcorp Genetics (formerly Invitae), Labcorp).